The following is an entry in ClinVar:

ClinVar aggregate classification (germline): Conflicting classifications of pathogenicity. Review status: criteria provided, conflicting classifications (1 of 4 stars). 4 submissions from 1 submitter: Uncertain significance (2); Likely benign (2). Last evaluated 2018-01-13.

Conditions:
Renal hypodysplasia/aplasia 1 (RHDA1). Also called: RENAL APLASIA; HEREDITARY RENAL APLASIA. Identifiers: Orphanet 411709, MedGen C1619700, MONDO:0024519, OMIM 191830.
Multiple endocrine neoplasia. Identifiers: Orphanet 276161, MedGen C0027662, MONDO:0017169.
Hirschsprung disease, susceptibility to, 1 (HSCR1). Also called: RET-Related Hirschsprung Disease. Identifiers: Orphanet 388, MedGen C3888239, MONDO:0007723, OMIM 142623.
Pheochromocytoma. Also called: MAX-Related Hereditary Paraganglioma-Pheochromocytoma Syndrome. Identifiers: Orphanet 29072, MedGen C0031511, MONDO:0008233, OMIM 171300, HP:0002666.

Allele frequency attached by ClinVar (database versions not stated): 1000 Genomes Project 0.00080; gnomAD exomes 0.00005; TOPMed 0.00020; gnomAD 0.00022 and 0.00023; 1000 Genomes Project 30x 0.00078.

Submissions (4):

Illumina Laboratory Services, Illumina
Classification: Uncertain significance for Hirschsprung disease, susceptibility to, 1. Last evaluated: 2018-01-13. Review status: criteria provided, single submitter. Criteria: ICSL Variant Classification Criteria 13 December 2019. Collection method: clinical testing. Allele origin: germline.

Illumina Laboratory Services, Illumina
Classification: Likely benign for Pheochromocytoma. Last evaluated: 2018-01-13. Review status: criteria provided, single submitter. Criteria: ICSL Variant Classification Criteria 13 December 2019. Collection method: clinical testing. Allele origin: germline.
Comment: This variant was observed in the ICSL laboratory as part of a predisposition screen in an ostensibly healthy population. It had not been previously curated by ICSL or reported in the Human Gene Mutation Database (HGMD: prior to June 1st, 2018), and was therefore a candidate for classification through an automated scoring system. Utilizing variant allele frequency, disease prevalence and penetrance estimates, and inheritance mode, an automated score was calculated to assess if this variant is too frequent to cause the disease. Based on the score and internal cut-off values, a variant classified as likely benign is not then subjected to further curation. The score for this variant resulted in a classification of likely benign for this disease.

Illumina Laboratory Services, Illumina
Classification: Likely benign for Multiple endocrine neoplasia. Last evaluated: 2018-01-13. Review status: criteria provided, single submitter. Criteria: ICSL Variant Classification Criteria 13 December 2019. Collection method: clinical testing. Allele origin: germline.
Comment: the same text as in the submission from Illumina Laboratory Services, Illumina above.

Illumina Laboratory Services, Illumina
Classification: Uncertain significance for Renal hypodysplasia/aplasia 1. Last evaluated: 2018-01-13. Review status: criteria provided, single submitter. Criteria: ICSL Variant Classification Criteria 13 December 2019. Collection method: clinical testing. Allele origin: germline.

NM_020975.6(RET):c.*84G>A

Gene: RET (ret proto-oncogene; plus strand). Cytogenetic location: 10q11.21.
Variant type: single nucleotide variant.
Coding change: c.*84G>A on transcript NM_020975.6 (MANE Select); 84 bases downstream of the stop codon, G replaced by A.
Molecular consequence: 3 prime UTR variant.
Genome position (GRCh38, 1-based): chr10:43,128,353, G>A. VCF-style: chr10-43128353-G-A. GRCh37 (hg19) VCF-style: chr10-43623801-G-A.
Other names: c.*84G>A (LRG_518t1).
Identifiers: ClinVar variation 299902 (VCV000299902.6), dbSNP rs558718557, ClinGen allele CA10628547.
Genomic context (GRCh38, chr10:43,128,353, plus strand): 5'-ACTCACAAGGGGAAGAAACATGCTGAGAATGGAAAGTCTACCGGCCCTTTCTTTGTGAAC[G>A]TCACATTGGCCGAGCCGTGTTCAGTTCCCAGGTGGCAGACTCGTTTTTGGTAGTTTGTTT-3'